The following is an entry in ClinVar:

ClinVar aggregate classification (germline): Uncertain significance (1 of 4 stars; one submission).

Conditions:
POLD1-related polyposis and colorectal cancer syndrome (CRCS10). Also called: COLORECTAL CANCER, SUSCEPTIBILITY TO, ON CHROMOSOME 19q; Colorectal cancer 10; Colorectal cancer, susceptibility to, 10. Identifiers: Orphanet 220460, MedGen C2675481, MONDO:0012953, OMIM 612591.

Submission:

Labcorp Genetics (formerly Invitae), Labcorp
Classification: Uncertain significance for POLD1-related polyposis and colorectal cancer syndrome. Last evaluated: 2015-11-11. Review status: criteria provided, single submitter. Criteria: Invitae Variant Classification Sherloc (09022015). Collection method: clinical testing. Allele origin: germline.
Comment: This sequence change affects a donor splice site in intron 14. It is expected to disrupt mRNA splicing and likely results in an absent or disrupted protein product. This variant is not present in population databases (ExAC no frequency) and has not been reported in the literature. At this time, truncating variants have not been reported in POLD1 in affected individuals. Therefore the clinical significance of this sequence change is unknown. For these reasons, this variant has been classified as a Variant of Uncertain Significance.

NM_002691.4(POLD1):c.1775+2T>A

Gene: POLD1 (DNA polymerase delta 1, catalytic subunit; plus strand). Cytogenetic location: 19q13.33.
Variant type: single nucleotide variant.
Coding change: c.1775+2T>A on transcript NM_002691.4 (MANE Select); the canonical splice donor site of the intron after coding-DNA position 1775, T replaced by A.
Molecular consequence: splice donor variant.
Genome position (GRCh38, 1-based): chr19:50,407,417, T>A. VCF-style: chr19-50407417-T-A. GRCh37 (hg19) VCF-style: chr19-50910674-T-A.
Other names: c.1775+2T>A (NM_001256849.1, NM_001308632.1).
Identifiers: ClinVar variation 239254 (VCV000239254.9), dbSNP rs878854527, ClinGen allele CA10583833.